The following is an entry in ClinVar:

ClinVar aggregate classification (germline): Uncertain significance (1 of 4 stars; one submission).

Allele frequency attached by ClinVar (database versions not stated): TOPMed below 0.00001; gnomAD 0.00001; ExAC 0.00005.
gnomAD v4.1: 16 of 1,613,990 alleles (0.00099%); highest among the groups gnomAD compares: Non-Finnish European, 0.0014%; no homozygotes.

Submission:

Labcorp Genetics (formerly Invitae), Labcorp
Classification: Uncertain significance. Last evaluated: 2025-02-13. Review status: criteria provided, single submitter. Criteria: Invitae Variant Classification Sherloc (09022015). Collection method: clinical testing. Allele origin: germline.
Comment: This sequence change falls in intron 2 of the UQCC2 gene. It does not directly change the encoded amino acid sequence of the UQCC2 protein. It affects a nucleotide within the consensus splice site. This variant is present in population databases (rs587777410, gnomAD 0.005%). This variant has not been reported in the literature in individuals affected with UQCC2-related conditions. ClinVar contains an entry for this variant (Variation ID: 1910100). Variants that disrupt the consensus splice site are a relatively common cause of aberrant splicing (PMID: 17576681, 9536098). Algorithms developed to predict the effect of sequence changes on RNA splicing suggest that this variant is not likely to affect RNA splicing. This variant disrupts the c.214-3C nucleotide in the UQCC2 gene. Other variant(s) that disrupt this nucleotide have been determined to be pathogenic (PMID: 24385928). This suggests that this nucleotide is clinically significant, and that variants that disrupt this position are likely to be disease-causing. In summary, the available evidence is currently insufficient to determine the role of this variant in disease. Therefore, it has been classified as a Variant of Uncertain Significance.

Literature cited by the submitters: PubMed 17576681; PubMed 9536098; PubMed 24385928.

NM_032340.4(UQCC2):c.214-3C>T

Gene: UQCC2 (ubiquinol-cytochrome c reductase complex assembly factor 2; minus strand). Cytogenetic location: 6p21.31.
Variant type: single nucleotide variant.
Coding change: c.214-3C>T on transcript NM_032340.4 (MANE Select); 3 bases into the intron before coding-DNA position 214, C replaced by T.
Molecular consequence: intron variant.
Genome position (GRCh38, 1-based): chr6:33,700,516, G>A on the plus strand (C>T on the coding strand, the complement: UQCC2 is on the minus strand). VCF-style: chr6-33700516-G-A. GRCh37 (hg19) VCF-style: chr6-33668293-G-A.
Identifiers: ClinVar variation 1910100 (VCV001910100.5), dbSNP rs587777410, ClinGen allele CA3762475.